The following is an entry in ClinVar:

NM_015662.3(IFT172):c.3824G>A (p.Gly1275Asp)

Genes: IFT172 (intraflagellar transport 172; minus strand), LOC126806173 (BRD4-independent group 4 enhancer GRCh37_chr2:27676057-27677256; plus strand). Cytogenetic location: 2p23.3.
Variant type: single nucleotide variant.
Coding change: c.3824G>A on transcript NM_015662.3 (MANE Select); coding-DNA position 3824, G replaced by A.
Protein change: p.Gly1275Asp; replaces glycine 1275 with aspartic acid.
Molecular consequence: missense variant.
Genome position (GRCh38, 1-based): chr2:27,453,511, C>T on the plus strand (G>A on the coding strand, the complement: IFT172 is on the minus strand). VCF-style: chr2-27453511-C-T. GRCh37 (hg19) VCF-style: chr2-27676378-C-T.
Other names: c.3758G>A, p.Gly1253Asp (NM_001410739.1); short protein forms G1275D, G1253D.
Identifiers: ClinVar variation 2168990 (VCV002168990.1), dbSNP rs543062539, ClinGen allele CA346377848.
Genomic context (GRCh38, chr2:27,453,511, plus strand): 5'-GCACGGCTGTACTCTCCAGCCTGCTCCCAGTGTCGAGCTTGTTCCACAAATCCCTCCACA[C>T]CCCTGTGGAGATGAGAGCGCTGGGACTTGGCATGGTAGGGGGGCAGCATGCTCTATCCTG-3'
Protein context (NP_056477.1, residues 1265-1285): EREATKKGAR[Gly1275Asp]VEGFVEQARH

ClinVar aggregate classification (germline): Uncertain significance (1 of 4 stars; one submission).

Conditions:
Short-rib thoracic dysplasia 10 with or without polydactyly (SRTD10). Identifiers: Orphanet 474, MedGen C3810175, MONDO:0014284, OMIM 615630.
Retinitis pigmentosa 71 (RP71). Identifiers: Orphanet 791, MedGen C4225342, MONDO:0014618, OMIM 616394.

gnomAD v4.1: 1 of 1,614,012 alleles (0.000062%); highest among the groups gnomAD compares: East Asian, 0.0022%; no homozygotes.

Submission:

Labcorp Genetics (formerly Invitae), Labcorp
Classification: Uncertain significance for Retinitis pigmentosa 71; Short-rib thoracic dysplasia 10 with or without polydactyly. Last evaluated: 2022-10-24. Review status: criteria provided, single submitter. Criteria: Invitae Variant Classification Sherloc (09022015). Collection method: clinical testing. Allele origin: germline.
Comment: This sequence change replaces glycine, which is neutral and non-polar, with aspartic acid, which is acidic and polar, at codon 1275 of the IFT172 protein (p.Gly1275Asp). This variant is not present in population databases (gnomAD no frequency). This variant has not been reported in the literature in individuals affected with IFT172-related conditions. Algorithms developed to predict the effect of missense changes on protein structure and function are either unavailable or do not agree on the potential impact of this missense change (SIFT: "Deleterious"; PolyPhen-2: "Benign"; Align-GVGD: "Class C0"). In summary, the available evidence is currently insufficient to determine the role of this variant in disease. Therefore, it has been classified as a Variant of Uncertain Significance.